The following is an entry in ClinVar:

ClinVar aggregate classification (germline): Benign (0 of 4 stars; one submission).

Conditions:
MYO7B-related disorder. Also called: MYO7B-related condition.

Allele frequency attached by ClinVar (database versions not stated): 1000 Genomes Project 30x 0.00125; 1000 Genomes Project 0.00160; gnomAD exomes 0.00166; gnomAD 0.00168; ESP Exome Variant Server 0.00185; TOPMed 0.00221.
gnomAD v4.1: 2,752 of 1,613,534 alleles (0.17%); highest among the groups gnomAD compares: Middle Eastern, 0.31%; 20 homozygotes.

Submission:

PreventionGenetics, part of Exact Sciences
Classification: Benign for MYO7B-related condition. Last evaluated: 2019-08-09. Review status: no assertion criteria provided. Collection method: clinical testing. Allele origin: germline.
Comment: This variant is classified as benign based on ACMG/AMP sequence variant interpretation guidelines (Richards et al. 2015 PMID: 25741868, with internal and published modifications).

NM_001393586.1(MYO7B):c.1369G>A (p.Ala457Thr)

Gene: MYO7B (myosin VIIB; plus strand). Cytogenetic location: 2q14.3.
Variant type: single nucleotide variant.
Coding change: c.1369G>A on transcript NM_001393586.1 (MANE Select); coding-DNA position 1369, G replaced by A.
Protein change: p.Ala457Thr; replaces alanine 457 with threonine.
Molecular consequence: missense variant.
Genome position (GRCh38, 1-based): chr2:127,584,147, G>A. VCF-style: chr2-127584147-G-A. GRCh37 (hg19) VCF-style: chr2-128341722-G-A.
Other names: c.1369G>A, p.Ala457Thr (NM_001080527.2); short protein forms A457T.
Identifiers: ClinVar variation 3035386 (VCV003035386.2), dbSNP rs144080203, ClinGen allele CA1860790.
Genomic context (GRCh38, chr2:127,584,147, plus strand): 5'-CACTCCACCCCTGGGCAGTGACCTTGCCTCCACAGCTTCGAGCAGCTCTGCATCAACTTC[G>A]CCAACGAGCACCTGCAGCAGTTCTTTGTGCAGCACGTGTTCACCATGGAGCAAGAGGAGT-3'
Protein context (NP_001380515.1, residues 447-467): NSFEQLCINF[Ala457Thr]NEHLQQFFVQ